The following is an entry in ClinVar:

NM_015602.4(TOR1AIP1):c.373C>G (p.Arg125Gly)

Genes: TOR1AIP1 (torsin 1A interacting protein 1; plus strand), LOC112577517 (Sharpr-MPRA regulatory region 13766; plus strand). Cytogenetic location: 1q25.2.
Variant type: single nucleotide variant.
Coding change: c.373C>G on transcript NM_015602.4 (MANE Select); coding-DNA position 373, C replaced by G.
Protein change: p.Arg125Gly; replaces arginine 125 with glycine.
Molecular consequence: missense variant.
Genome position (GRCh38, 1-based): chr1:179,882,875, C>G. VCF-style: chr1-179882875-C-G. GRCh37 (hg19) VCF-style: chr1-179852010-C-G.
Other names: c.373C>G, p.Arg125Gly (NM_001267578.2); c.373C>G (NM_015602.2); short protein forms R125G.
Identifiers: ClinVar variation 841950 (VCV000841950.10), dbSNP rs201023108, ClinGen allele CA1268732.

ClinVar aggregate classification (germline): Uncertain significance. Review status: criteria provided, multiple submitters, no conflicts (2 of 4 stars). 5 submissions from 5 submitters: Uncertain significance (5). Last evaluated 2024-06-10.

Conditions:
Inborn genetic diseases. Identifiers: MedGen C0950123, MeSH D030342.
Autosomal recessive limb-girdle muscular dystrophy type 2Y (MRRSDC). Also called: Muscular dystrophy, limb-girdle, type 2y; Muscular dystrophy, autosomal recessive, with rigid spine and distal joint contractures. Identifiers: Orphanet 424261, MedGen C4511482, MONDO:0014900, OMIM 617072.

Allele frequency attached by ClinVar (database versions not stated): gnomAD exomes 0.00008 and 0.00006; TOPMed 0.00014; ExAC 0.00007; ESP Exome Variant Server 0.00023; gnomAD 0.00008; 1000 Genomes Project 30x 0.00031; 1000 Genomes Project 0.00020.
gnomAD v4.1: 136 of 1,614,170 alleles (0.0084%); highest among the groups gnomAD compares: Middle Eastern, 0.016%; no homozygotes.

Submissions (5):

GeneDx
Classification: Uncertain significance. Last evaluated: 2024-06-10. Review status: criteria provided, single submitter. Criteria: GeneDx Variant Classification Process June 2021. Collection method: clinical testing. Allele origin: germline. Affected: yes.
Comment: In silico analysis supports that this missense variant has a deleterious effect on protein structure/function; Has not been previously published as pathogenic or benign to our knowledge

Labcorp Genetics (formerly Invitae), Labcorp
Classification: Uncertain significance for Autosomal recessive limb-girdle muscular dystrophy type 2Y. Last evaluated: 2023-12-11. Review status: criteria provided, single submitter. Criteria: Invitae Variant Classification Sherloc (09022015). Collection method: clinical testing. Allele origin: germline.
Comment: This sequence change replaces arginine, which is basic and polar, with glycine, which is neutral and non-polar, at codon 125 of the TOR1AIP1 protein (p.Arg125Gly). This variant is present in population databases (rs201023108, gnomAD 0.04%). This variant has not been reported in the literature in individuals affected with TOR1AIP1-related conditions. ClinVar contains an entry for this variant (Variation ID: 841950). Advanced modeling of protein sequence and biophysical properties (such as structural, functional, and spatial information, amino acid conservation, physicochemical variation, residue mobility, and thermodynamic stability) performed at Invitae indicates that this missense variant is not expected to disrupt TOR1AIP1 protein function with a negative predictive value of 80%. In summary, the available evidence is currently insufficient to determine the role of this variant in disease. Therefore, it has been classified as a Variant of Uncertain Significance.

Ambry Genetics
Classification: Uncertain significance for Inborn genetic diseases. Last evaluated: 2023-08-08. Review status: criteria provided, single submitter. Criteria: Ambry Variant Classification Scheme 2023. Collection method: clinical testing. Allele origin: germline.

Genome-Nilou Lab
Classification: Uncertain significance for Autosomal recessive limb-girdle muscular dystrophy type 2Y. Last evaluated: 2023-04-11. Review status: criteria provided, single submitter. Criteria: ACMG Guidelines, 2015. Collection method: clinical testing. Allele origin: germline. Affected: no.

Revvity Omics, Revvity
Classification: Uncertain significance. Last evaluated: 2019-08-09. Review status: criteria provided, single submitter. Criteria: ACMG Guidelines, 2015. Collection method: clinical testing. Allele origin: germline.